The following is an entry in ClinVar:

NM_201253.3(CRB1):c.299C>T (p.Pro100Leu)

Gene: CRB1 (crumbs cell polarity complex component 1; plus strand). Cytogenetic location: 1q31.3.
Variant type: single nucleotide variant.
Coding change: c.299C>T on transcript NM_201253.3 (MANE Select); coding-DNA position 299, C replaced by T.
Protein change: p.Pro100Leu; replaces proline 100 with leucine.
Molecular consequence: missense variant. On other transcripts: non-coding transcript variant (2).
Genome position (GRCh38, 1-based): chr1:197,328,650, C>T. VCF-style: chr1-197328650-C-T. GRCh37 (hg19) VCF-style: chr1-197297780-C-T.
Other names: c.299C>T, p.Pro100Leu (NM_001193640.2, NM_001257966.2); c.92C>T, p.Pro31Leu (NM_001257965.2); short protein forms P100L, P31L.
Identifiers: ClinVar variation 1398752 (VCV001398752.3), dbSNP rs2125304021, ClinGen allele CA344085474.

ClinVar aggregate classification (germline): Uncertain significance (1 of 4 stars; one submission).

Conditions:
Retinitis pigmentosa 12 (RP12). Also called: RP WITH OR WITHOUT PPRPE; RP WITH OR WITHOUT PRESERVED PARAARTERIOLE RETINAL PIGMENT EPITHELIUM; RETINITIS PIGMENTOSA WITH OR WITHOUT PARAARTERIOLAR PRESERVATION OF RETINAL PIGMENT EPITHELIUM. Identifiers: Orphanet 791, MedGen C1838647, MONDO:0010818, OMIM 600105.
Leber congenital amaurosis 8 (LCA8). Identifiers: Orphanet 65, MedGen C3151202, MONDO:0013453, OMIM 613835.

Allele frequency attached by ClinVar (database versions not stated): gnomAD exomes 0.00001.

Submission:

Labcorp Genetics (formerly Invitae), Labcorp
Classification: Uncertain significance for Leber congenital amaurosis 8; Retinitis pigmentosa 12. Last evaluated: 2021-10-07. Review status: criteria provided, single submitter. Criteria: Invitae Variant Classification Sherloc (09022015). Collection method: clinical testing. Allele origin: germline.
Comment: This sequence change replaces proline with leucine at codon 100 of the CRB1 protein (p.Pro100Leu). The proline residue is highly conserved and there is a moderate physicochemical difference between proline and leucine. This variant is not present in population databases (ExAC no frequency). This variant has not been reported in the literature in individuals affected with CRB1-related conditions. Algorithms developed to predict the effect of missense changes on protein structure and function output the following: SIFT: "Deleterious"; PolyPhen-2: "Benign"; Align-GVGD: "Class C65". The leucine amino acid residue is found in multiple mammalian species, which suggests that this missense change does not adversely affect protein function. In summary, the available evidence is currently insufficient to determine the role of this variant in disease. Therefore, it has been classified as a Variant of Uncertain Significance.